The following is an entry in ClinVar:

NM_000081.4(LYST):c.11229A>G (p.Arg3743=)

Gene: LYST (lysosomal trafficking regulator; minus strand). Cytogenetic location: 1q42.3.
Variant type: single nucleotide variant.
Coding change: c.11229A>G on transcript NM_000081.4 (MANE Select); coding-DNA position 11229, A replaced by G.
Protein change: p.Arg3743=; no amino-acid change (arginine 3743 retained).
Molecular consequence: synonymous variant.
Genome position (GRCh38, 1-based): chr1:235,664,022, T>C on the plus strand (A>G on the coding strand, the complement: LYST is on the minus strand). VCF-style: chr1-235664022-T-C. GRCh37 (hg19) VCF-style: chr1-235827322-T-C.
Other names: c.11229A>G, p.Arg3743= (NM_001301365.1).
Identifiers: ClinVar variation 873776 (VCV000873776.14), dbSNP rs368618083, ClinGen allele CA39754720.

ClinVar aggregate classification (germline): Conflicting classifications of pathogenicity. Review status: criteria provided, conflicting classifications (1 of 4 stars). 3 submissions from 3 submitters: Uncertain significance (1); Likely benign (1). 1 of the submissions does not count toward it. Last evaluated 2025-12-14.

Conditions:
LYST-related disorder. Also called: LYST-related condition.
Chédiak-Higashi syndrome (CHS). Also called: Chediak-Higashi Syndrome. Identifiers: Orphanet 167, MedGen C0007965, MONDO:0008963, OMIM 214500.

Allele frequency attached by ClinVar (database versions not stated): TOPMed 0.00001; gnomAD exomes 0.00003; ESP Exome Variant Server 0.00008.
gnomAD v4.1: 46 of 1,613,624 alleles (0.0029%); highest among the groups gnomAD compares: Non-Finnish European, 0.0037%; no homozygotes.

Submissions (3):

Labcorp Genetics (formerly Invitae), Labcorp
Classification: Likely benign for Chédiak-Higashi syndrome. Last evaluated: 2025-12-14. Review status: criteria provided, single submitter. Criteria: Invitae Variant Classification Sherloc (09022015). Collection method: clinical testing. Allele origin: germline.

Illumina Laboratory Services, Illumina
Classification: Uncertain significance for Chédiak-Higashi syndrome. Last evaluated: 2018-01-12. Review status: criteria provided, single submitter. Criteria: ICSL Variant Classification Criteria 13 December 2019. Collection method: clinical testing. Allele origin: germline.

PreventionGenetics, part of Exact Sciences
Classification: Likely benign for LYST-related condition. Last evaluated: 2023-11-08. Review status: no assertion criteria provided. Collection method: clinical testing. Allele origin: germline. Not counted in ClinVar's aggregate classification.
Comment: This variant is classified as likely benign based on ACMG/AMP sequence variant interpretation guidelines (Richards et al. 2015 PMID: 25741868, with internal and published modifications).